The following is an entry in ClinVar:

NM_000535.7(PMS2):c.1004A>T (p.Asn335Ile)

Gene: PMS2 (PMS1 homolog 2, mismatch repair system component; minus strand). Cytogenetic location: 7p22.1.
Variant type: single nucleotide variant.
Coding change: c.1004A>T on transcript NM_000535.7 (MANE Select); coding-DNA position 1004, A replaced by T.
Protein change: p.Asn335Ile; replaces asparagine 335 with isoleucine.
Molecular consequence: missense variant. On other transcripts: non-coding transcript variant (1), intron variant (2).
Genome position (GRCh38, 1-based): chr7:5,989,940, T>A on the plus strand (A>T on the coding strand, the complement: PMS2 is on the minus strand). VCF-style: chr7-5989940-T-A. GRCh37 (hg19) VCF-style: chr7-6029571-T-A.
Other names: c.599A>T, p.Asn200Ile (NM_001322003.2, NM_001322004.2, NM_001322005.2 and 1 more transcripts); c.686A>T, p.Asn229Ile (NM_001322007.2, NM_001322008.2); c.71A>T, p.Asn24Ile (NM_001322011.2, NM_001322012.2); c.431A>T, p.Asn144Ile (NM_001322013.2); c.1004A>T, p.Asn335Ile (NM_001322014.2); c.695A>T, p.Asn232Ile (NM_001322015.2); c.583+2033A>T (NM_001322010.2); c.988+2033A>T (NM_001322006.2); short protein forms N335I, N229I, N200I, N232I, N144I, N24I.
Identifiers: ClinVar variation 187489 (VCV000187489.26), dbSNP rs200513014, ClinGen allele CA009085.

ClinVar aggregate classification (germline): Uncertain significance. Review status: criteria provided, multiple submitters, no conflicts (2 of 4 stars). 6 submissions from 6 submitters: Uncertain significance (6). Last evaluated 2024-11-05.

Conditions:
Hereditary nonpolyposis colorectal neoplasms. Identifiers: MedGen C0009405, MeSH D003123.
Lynch syndrome. Identifiers: Orphanet 144, MedGen C4552100, MONDO:0005835. Disease mechanism: loss of function.
Hereditary cancer-predisposing syndrome. Also called: Neoplastic Syndromes, Hereditary; Tumor predisposition; Hereditary Cancer Syndrome; Hereditary neoplastic syndrome. Identifiers: Orphanet 140162, MedGen C0027672, MeSH D009386, MONDO:0015356.
Lynch syndrome 4 (LYNCH4). Also called: Colorectal cancer, hereditary nonpolyposis, type 4; Hereditary non-polyposis colorectal cancer, type 4. Identifiers: Orphanet 144, MedGen C1838333, MONDO:0013699, OMIM 614337. Disease mechanism: loss of function.

gnomAD v4.1: 10 of 1,607,538 alleles (0.00062%); highest among the groups gnomAD compares: Non-Finnish European, 0.00068%; no homozygotes.

Submissions (6):

Color Diagnostics, LLC DBA Color Health
Classification: Uncertain significance for Hereditary cancer-predisposing syndrome. Last evaluated: 2024-11-05. Review status: criteria provided, single submitter. Criteria: ACMG Guidelines, 2015. Collection method: clinical testing. Allele origin: germline.
Comment: This missense variant replaces asparagine with isoleucine at codon 335 of the PMS2 protein. Computational prediction suggests that this variant may have deleterious impact on protein structure and function (internally defined REVEL score threshold >= 0.7, PMID: 27666373). To our knowledge, functional studies have not been reported for this variant. This variant has been reported in an individual affected with colorectal cancer whose tumor displayed normal levels of protein expression via immunohistochemistry (PMID: 28466842). This variant has been identified in 1/250652 chromosomes in the general population by the Genome Aggregation Database (gnomAD). The available evidence is insufficient to determine the role of this variant in disease conclusively. Therefore, this variant is classified as a Variant of Uncertain Significance.

Labcorp Genetics (formerly Invitae), Labcorp
Classification: Uncertain significance for Hereditary nonpolyposis colorectal neoplasms. Last evaluated: 2024-10-30. Review status: criteria provided, single submitter. Criteria: Invitae Variant Classification Sherloc (09022015). Collection method: clinical testing. Allele origin: germline.
Comment: This sequence change replaces asparagine, which is neutral and polar, with isoleucine, which is neutral and non-polar, at codon 335 of the PMS2 protein (p.Asn335Ile). This variant is present in population databases (rs200513014, gnomAD 0.01%). This missense change has been observed in individual(s) with colorectal cancer (PMID: 28466842). ClinVar contains an entry for this variant (Variation ID: 187489). Invitae Evidence Modeling incorporating data from in vitro experimental studies (internal data) indicates that this missense variant is not expected to disrupt PMS2 function with a negative predictive value of 95%. In summary, the available evidence is currently insufficient to determine the role of this variant in disease. Therefore, it has been classified as a Variant of Uncertain Significance.

Baylor Genetics
Classification: Uncertain significance for Lynch syndrome 4. Last evaluated: 2024-03-05. Review status: criteria provided, single submitter. Criteria: ACMG Guidelines, 2015. Collection method: clinical testing. Allele origin: unknown.

All of Us Research Program, National Institutes of Health
Classification: Uncertain significance for Lynch syndrome. Last evaluated: 2023-09-09. Review status: criteria provided, single submitter. Criteria: ACMG Guidelines, 2015. Collection method: clinical testing. Allele origin: germline. Inheritance: Autosomal dominant inheritance. Observed: 1 variant allele, 1 heterozygote.
Comment: This study involves interpretation of variants in research participants for the purpose of population health screening. Participant phenotype was not available at the time of variant classification. Additional details can be found in publication PMID: 35346344, PMCID: PMC8962531

Ambry Genetics
Classification: Uncertain significance for Hereditary cancer-predisposing syndrome. Last evaluated: 2023-09-07. Review status: criteria provided, single submitter. Criteria: Ambry Variant Classification Scheme 2023. Collection method: clinical testing. Allele origin: germline.
Comment: The p.N335I variant (also known as c.1004A>T), located in coding exon 10 of the PMS2 gene, results from an A to T substitution at nucleotide position 1004. The asparagine at codon 335 is replaced by isoleucine, an amino acid with dissimilar properties. This alteration was also detected in 1 individual from 274 families with hereditary colon cancer; however, the alteration was not detected in an affected relative (Hansen MF et al. Clin. Genet., 2017 Oct;92:405-414). This amino acid position is highly conserved in available vertebrate species. In addition, this alteration is predicted to be deleterious by in silico analysis. Since supporting evidence is limited at this time, the clinical significance of this alteration remains unclear.

Genetic Services Laboratory, University of Chicago
Classification: Uncertain significance. Last evaluated: 2021-01-04. Review status: criteria provided, single submitter. Criteria: ACMG Guidelines, 2015. Collection method: clinical testing. Allele origin: germline. Affected: no.
Comment: DNA sequence analysis of the PMS2 gene demonstrated a sequence change, c.1004A>T, in exon 10 which results in an amino acid change, p.Asn335Ile. This sequence change has been described in the gnomAD database in one individual with an overall population frequency of 0.0004% (dbSNP rs200513014). The p.Asn335Ile change has been described in an individual with colorectal cancer (PMID: 28466842). Additionally, a different amino acid change at the same location (p.Asn335Ser) has been reported in association with breast and/or ovarian cancer (PMID: 24549055). The p.Asn335Ile change affects a highly conserved amino acid residue located in a domain of the PMS2 protein that is known to be functional. The p.Asn335Ile substitution appears to be deleterious using several in-silico pathogenicity prediction tools (SIFT, PolyPhen2, Align GVGD, REVEL). Due to these contrasting evidences and the lack of functional studies, the clinical significance of the p.Asn335Ile change remains unknown at this time.

Literature cited by the submitters: PubMed 28466842 (cited by 3 submitters); PubMed 28195393 (cited by Ambry Genetics).